The following is an entry in ClinVar:

NM_177438.3(DICER1):c.820T>G (p.Leu274Val)

Gene: DICER1 (dicer 1, ribonuclease III; minus strand). Cytogenetic location: 14q32.13.
Variant type: single nucleotide variant.
Coding change: c.820T>G on transcript NM_177438.3 (MANE Select); coding-DNA position 820, T replaced by G.
Protein change: p.Leu274Val; replaces leucine 274 with valine.
Molecular consequence: missense variant.
Genome position (GRCh38, 1-based): chr14:95,126,663, A>C on the plus strand (T>G on the coding strand, the complement: DICER1 is on the minus strand). VCF-style: chr14-95126663-A-C. GRCh37 (hg19) VCF-style: chr14-95593000-A-C.
Other names: c.820T>G, p.Leu274Val (NM_001195573.1, NM_001271282.3, NM_001291628.2 and 1 more transcripts); short protein forms L274V.
Identifiers: ClinVar variation 412078 (VCV000412078.16), dbSNP rs778219828, ClinGen allele CA7331565.

ClinVar aggregate classification (germline): Uncertain significance. Review status: criteria provided, multiple submitters, no conflicts (2 of 4 stars). 2 submissions from 2 submitters: Uncertain significance (2). Last evaluated 2026-02-03.

Conditions:
Hereditary cancer-predisposing syndrome. Also called: Hereditary neoplastic syndrome; Neoplastic Syndromes, Hereditary; Tumor predisposition; Hereditary Cancer Syndrome. Identifiers: Orphanet 140162, MedGen C0027672, MeSH D009386, MONDO:0015356.
DICER1-related tumor predisposition. Also called: DICER1-related pleuropulmonary blastoma cancer predisposition syndrome; DICER1 syndrome. Identifiers: Orphanet 284343, MedGen C3839822, MONDO:0100216.

Allele frequency attached by ClinVar (database versions not stated): gnomAD 0.00001; gnomAD exomes 0.00001 and 0.00002; TOPMed 0.00001; ExAC 0.00002.
gnomAD v4.1: 11 of 1,591,150 alleles (0.00069%); highest among the groups gnomAD compares: East Asian, 0.025%; no homozygotes.

Submissions (2):

Labcorp Genetics (formerly Invitae), Labcorp
Classification: Uncertain significance for DICER1-related tumor predisposition. Last evaluated: 2026-02-03. Review status: criteria provided, single submitter. Criteria: Invitae Variant Classification Sherloc (09022015). Collection method: clinical testing. Allele origin: germline.
Comment: This sequence change replaces leucine, which is neutral and non-polar, with valine, which is neutral and non-polar, at codon 274 of the DICER1 protein (p.Leu274Val). This variant is present in population databases (rs778219828, gnomAD 0.03%). This variant has not been reported in the literature in individuals affected with DICER1-related conditions. ClinVar contains an entry for this variant (Variation ID: 412078). Invitae Evidence Modeling of protein sequence and biophysical properties (such as structural, functional, and spatial information, amino acid conservation, physicochemical variation, residue mobility, and thermodynamic stability) indicates that this missense variant is not expected to disrupt DICER1 protein function with a negative predictive value of 95%. In summary, the available evidence is currently insufficient to determine the role of this variant in disease. Therefore, it has been classified as a Variant of Uncertain Significance.

Ambry Genetics
Classification: Uncertain significance for Hereditary cancer-predisposing syndrome. Last evaluated: 2024-04-23. Review status: criteria provided, single submitter. Criteria: Ambry Variant Classification Scheme 2023. Collection method: clinical testing. Allele origin: germline.
Comment: The p.L274V variant (also known as c.820T>G), located in coding exon 6 of the DICER1 gene, results from a T to G substitution at nucleotide position 820. The leucine at codon 274 is replaced by valine, an amino acid with highly similar properties. This amino acid position is highly conserved in available vertebrate species. In addition, this alteration is predicted to be tolerated by in silico analysis. Based on the available evidence, the clinical significance of this variant remains unclear.